The following is an entry in ClinVar:

ClinVar aggregate classification (germline): Uncertain significance. Review status: criteria provided, multiple submitters, no conflicts (2 of 4 stars). 3 submissions from 3 submitters: Uncertain significance (3). Last evaluated 2023-09-11.

Conditions:
Hereditary nonpolyposis colorectal neoplasms. Identifiers: MedGen C0009405, MeSH D003123.
Hereditary cancer-predisposing syndrome. Also called: Hereditary neoplastic syndrome; Hereditary Cancer Syndrome; Neoplastic Syndromes, Hereditary; Tumor predisposition. Identifiers: Orphanet 140162, MedGen C0027672, MeSH D009386, MONDO:0015356.

Allele frequency attached by ClinVar (database versions not stated): gnomAD exomes below 0.00001; TOPMed below 0.00001.

Submissions (3):

Labcorp Genetics (formerly Invitae), Labcorp
Classification: Uncertain significance for Hereditary nonpolyposis colorectal neoplasms. Last evaluated: 2023-09-11. Review status: criteria provided, single submitter. Criteria: Invitae Variant Classification Sherloc (09022015). Collection method: clinical testing. Allele origin: germline.
Comment: This sequence change replaces arginine, which is basic and polar, with lysine, which is basic and polar, at codon 385 of the MSH6 protein (p.Arg385Lys). This variant is not present in population databases (gnomAD no frequency). This variant has not been reported in the literature in individuals affected with MSH6-related conditions. Advanced modeling of protein sequence and biophysical properties (such as structural, functional, and spatial information, amino acid conservation, physicochemical variation, residue mobility, and thermodynamic stability) performed at Invitae indicates that this missense variant is not expected to disrupt MSH6 protein function. In summary, the available evidence is currently insufficient to determine the role of this variant in disease. Therefore, it has been classified as a Variant of Uncertain Significance.

Color Diagnostics, LLC DBA Color Health
Classification: Uncertain significance for Hereditary cancer-predisposing syndrome. Last evaluated: 2021-08-24. Review status: criteria provided, single submitter. Criteria: ACMG Guidelines, 2015. Collection method: clinical testing. Allele origin: germline.
Comment: This missense variant replaces arginine with lysine at codon 385 of the MSH6 protein. Computational prediction suggests that this variant may not impact protein structure and function (internally defined REVEL score threshold <= 0.5, PMID: 27666373). To our knowledge, functional studies have not been reported for this variant. This variant has not been reported in individuals affected with hereditary cancer in the literature. This variant has not been identified in the general population by the Genome Aggregation Database (gnomAD). The available evidence is insufficient to determine the role of this variant in disease conclusively. Therefore, this variant is classified as a Variant of Uncertain Significance.

Ambry Genetics
Classification: Uncertain significance for Hereditary cancer-predisposing syndrome. Last evaluated: 2017-12-19. Review status: criteria provided, single submitter. Criteria: Ambry Variant Classification Scheme 2023. Collection method: clinical testing. Allele origin: germline.

NM_000179.3(MSH6):c.1154G>A (p.Arg385Lys)

Gene: MSH6 (mutS homolog 6; plus strand). Cytogenetic location: 2p16.3.
Variant type: single nucleotide variant.
Coding change: c.1154G>A on transcript NM_000179.3 (MANE Select); coding-DNA position 1154, G replaced by A.
Protein change: p.Arg385Lys; replaces arginine 385 with lysine.
Molecular consequence: missense variant. On other transcripts: non-coding transcript variant (4), intron variant (1).
Genome position (GRCh38, 1-based): chr2:47,799,137, G>A. VCF-style: chr2-47799137-G-A. GRCh37 (hg19) VCF-style: chr2-48026276-G-A.
Other names: c.764G>A, p.Arg255Lys (NM_001281492.2); c.248G>A, p.Arg83Lys (NM_001281493.2, NM_001281494.2, NM_001406811.1 and 6 more transcripts); c.1250G>A, p.Arg417Lys (NM_001406795.1, NM_001406802.1); c.1154G>A, p.Arg385Lys (NM_001406796.1, NM_001406798.1, NM_001406800.1 and 4 more transcripts); c.857G>A, p.Arg286Lys (NM_001406797.1, NM_001406801.1, NM_001406805.1 and 10 more transcripts); c.629G>A, p.Arg210Lys (NM_001406799.1, NM_001406806.1, NM_001406807.1); c.1076G>A, p.Arg359Lys (NM_001406804.1); c.1160G>A, p.Arg387Lys (NM_001406813.1); and 2 more; short protein forms R359K, R385K, R329K, R387K, R286K, R210K, R255K, R417K.
Identifiers: ClinVar variation 2773635 (VCV002773635.6), dbSNP rs1669301387, ClinGen allele CA346742221.